The following is an entry in ClinVar:

ClinVar aggregate classification (germline): Uncertain significance (1 of 4 stars; one submission).

gnomAD v4.1: 20 of 1,610,918 alleles (0.0012%); highest among the groups gnomAD compares: East Asian, 0.0022%; no homozygotes.

Submission:

GeneDx
Classification: Uncertain significance. Last evaluated: 2025-07-15. Review status: criteria provided, single submitter. Criteria: GeneDx Variant Classification Process June 2021. Collection method: clinical testing. Allele origin: germline. Affected: yes.
Comment: Not observed at significant frequency in large population cohorts (gnomAD); In silico analysis supports a deleterious effect on splicing; Has not been previously published as pathogenic or benign to our knowledge

NM_133261.3(GIPC3):c.864C>T (p.Gly288=)

Gene: GIPC3 (GIPC PDZ domain containing family member 3; plus strand). Cytogenetic location: 19p13.3.
Variant type: single nucleotide variant.
Coding change: c.864C>T on transcript NM_133261.3 (MANE Select); coding-DNA position 864, C replaced by T.
Protein change: p.Gly288=; no amino-acid change (glycine 288 retained).
Molecular consequence: synonymous variant. On other transcripts: nonsense (1).
Genome position (GRCh38, 1-based): chr19:3,590,115, C>T. VCF-style: chr19-3590115-C-T. GRCh37 (hg19) VCF-style: chr19-3590113-C-T.
Other names: c.877C>T, p.Arg293Ter (NM_001411144.1); short protein forms R293*.
Identifiers: ClinVar variation 4686262 (VCV004686262.1).
Genomic context (GRCh38, chr19:3,590,115, plus strand): 5'-GACGTCCAAGAAGACAGCGAGCGCCCAGGAGTTTGCACGCTGTTTAGACTCCGTCTTGGG[C>T]GAGTTCGCCTTCCCCGACGAGTTTGTGGTGGAAGTGTGGGCCGCCATCGGCGAGGCCAGA-3'
Protein context (NP_573568.1, residues 278-298): EFARCLDSVL[Gly288=]EFAFPDEFVV